The following is an entry in ClinVar:

ClinVar aggregate classification (germline): Benign. Review status: criteria provided, multiple submitters, no conflicts (2 of 4 stars). 6 submissions from 6 submitters: Benign (6). Last evaluated 2026-02-03.

Allele frequency attached by ClinVar (database versions not stated): gnomAD exomes 0.02929; ExAC 0.03660; gnomAD 0.09380 and 0.09978; 1000 Genomes Project 0.09685; 1000 Genomes Project 30x 0.10056; TOPMed 0.10235.
gnomAD v4.1: 45,455 of 1,550,372 alleles (2.9%); highest among the groups gnomAD compares: African/African-American, 30%; 3,658 homozygotes.

Submissions (6):

Labcorp Genetics (formerly Invitae), Labcorp
Classification: Benign. Last evaluated: 2026-02-03. Review status: criteria provided, single submitter. Criteria: Invitae Variant Classification Sherloc (09022015). Collection method: clinical testing. Allele origin: germline.

Mayo Clinic Laboratories, Mayo Clinic
Classification: Benign. Last evaluated: 2020-10-02. Review status: criteria provided, single submitter. Criteria: ACMG Guidelines, 2015. Collection method: clinical testing. Allele origin: germline. Observed: 12 variant alleles.

Athena Diagnostics
Classification: Benign. Last evaluated: 2018-05-23. Review status: criteria provided, single submitter. Criteria: Athena Diagnostics Criteria. Collection method: clinical testing. Allele origin: germline.

GeneDx
Classification: Benign. Last evaluated: 2017-10-05. Review status: criteria provided, single submitter. Criteria: GeneDx Variant Classification (06012015). Collection method: clinical testing. Allele origin: germline. Affected: yes.
Comment: This variant is considered likely benign or benign based on one or more of the following criteria: it is a conservative change, it occurs at a poorly conserved position in the protein, it is predicted to be benign by multiple in silico algorithms, and/or has population frequency not consistent with disease.

Laboratory for Molecular Medicine, Mass General Brigham Personalized Medicine
Classification: Benign. Last evaluated: 2014-11-24. Review status: criteria provided, single submitter. Criteria: LMM Criteria. Collection method: clinical testing. Allele origin: germline. Observed: 93 variant alleles.
Comment: Ser91Ser in exon 3 of OTOG: This variant is not expected to have clinical signif icance because it does not alter an amino acid residue and is not located within the splice consensus sequence. It has been identified in 45.4% (88/194) of Luhy a (Kenyan) chromosomes from a broad population by the 1000 Genomes Project (dbSNP rs11823045).

Breakthrough Genomics
Classification: Benign. Review status: criteria provided, single submitter. Criteria: ACMG Guidelines, 2015. Collection method: not provided. Allele origin: germline. Inheritance: Autosomal recessive inheritance. Affected: yes.

NM_001292063.2(OTOG):c.237C>T (p.Ser79=)

Gene: OTOG (otogelin; plus strand). Cytogenetic location: 11p15.1.
Variant type: single nucleotide variant.
Coding change: c.237C>T on transcript NM_001292063.2 (MANE Select); coding-DNA position 237, C replaced by T.
Protein change: p.Ser79=; no amino-acid change (serine 79 retained).
Molecular consequence: synonymous variant.
Genome position (GRCh38, 1-based): chr11:17,552,020, C>T. VCF-style: chr11-17552020-C-T. GRCh37 (hg19) VCF-style: chr11-17573567-C-T.
Other names: p.Ser91=; c.273C>T, p.Ser91= (NM_001277269.2).
Identifiers: ClinVar variation 226872 (VCV000226872.16), dbSNP rs11823045, ClinGen allele CA5905325.